The following is an entry in ClinVar:

NM_000451.4(SHOX):c.352_353del (p.Arg118fs)

Genes: SHOX (SHOX homeobox; plus strand), LOC107652445 (meiotic recombination hotspot SHOX; plus strand). Cytogenetic location: Xp22.33.
Variant type: Microsatellite.
Coding change: c.352_353del on transcript NM_000451.4 (MANE Select); coding-DNA positions 352 to 353, 2 bases deleted (AG; older notation c.352_353delAG).
Protein change: p.Arg118fs; shifts the reading frame from arginine 118.
Molecular consequence: frameshift variant.
Genome position (GRCh38, 1-based): chrX:634,692-634,693, AG deleted; deleting any 2 consecutive bases within chrX:634,690-634,693 gives the same sequence; the c. name uses the placement nearest the transcript's 3' end. VCF-style (leftmost placement, unchanged base first): chrX-634689-CAG-C. GRCh37 (hg19) VCF-style: chrX-595424-CAG-C.
Other names: c.352_353delAG (NM_000451.3); c.352_353del, p.Arg118fs (NM_006883.2); short protein forms R118fs.
Identifiers: ClinVar variation 586575 (VCV000586575.3), dbSNP rs1569493663, ClinGen allele CA916083832.

ClinVar aggregate classification (germline): Pathogenic/Likely pathogenic. Review status: criteria provided, multiple submitters, no conflicts (2 of 4 stars). 3 submissions from 3 submitters: Pathogenic (2); Likely pathogenic (1). Last evaluated 2025-01-16.

Conditions:
Leri-Weill dyschondrosteosis (LWD). Also called: Leri-Weill Dyschondrosteosis (LWD); Léri-Weill dyschondrosteosis; DYSCHONDROSTEOSIS. Identifiers: Orphanet 240, MedGen C0265309, MONDO:0007481, OMIM 127300.

Submissions (3):

GeneDx
Classification: Likely pathogenic. Last evaluated: 2025-01-16. Review status: criteria provided, single submitter. Criteria: GeneDx Variant Classification Process June 2021. Collection method: clinical testing. Allele origin: germline. Affected: yes.
Comment: Reported in the published literature in patients with clinical features that may be consistent with a SHOX-related disorder; however, detailed clinical and segregation information was not provided (PMID: 35250876, 23636926); Not observed at significant frequency in large population cohorts (gnomAD); Frameshift variant predicted to result in protein truncation or nonsense mediated decay in a gene for which loss of function is a known mechanism of disease; This variant is associated with the following publications: (PMID: 35250876, 23636926)

Women's Health and Genetics/Laboratory Corporation of America, LabCorp
Classification: Pathogenic for Leri-Weill dyschondrosteosis. Last evaluated: 2022-12-01. Review status: criteria provided, single submitter. Criteria: LabCorp Variant Classification Summary - May 2015. Collection method: clinical testing. Allele origin: germline.
Comment: Variant summary: SHOX c.352_353delAG (p.Arg118AlafsX63) results in a premature termination codon, predicted to cause a truncation of the encoded protein or absence of the protein due to nonsense mediated decay, which are commonly known mechanisms for disease. Truncations downstream of this position have been classified as pathogenic by our laboratory and associated with disease in HGMD. The variant was absent in 249788 control chromosomes. c.352_353delAG has been reported in the literature in individuals affected with Leri-Weill Dyschondrosteosis (Bunyan_2013) and Short Stature (Chen_2022). These data indicate that the variant is likely to be associated with disease. To our knowledge, no experimental evidence demonstrating an impact on protein function has been reported. One clinical diagnostic laboratory has submitted clinical-significance assessments for this variant to ClinVar after 2014 without evidence for independent evaluation and classified the variant as pathogenic. Based on the evidence outlined above, the variant was classified as pathogenic.

Athena Diagnostics
Classification: Pathogenic. Last evaluated: 2017-09-15. Review status: criteria provided, single submitter. Criteria: Athena Diagnostics Criteria. Collection method: clinical testing. Allele origin: germline.

Literature cited by the submitters: PubMed 23636926 (cited by Women's Health and Genetics/Laboratory Corporation of America, LabCorp and Athena Diagnostics); PubMed 35250876 (cited by Women's Health and Genetics/Laboratory Corporation of America, LabCorp).